The following is an entry in ClinVar:

NM_000936.4(PNLIP):c.817C>T (p.Arg273Ter)

Gene: PNLIP (pancreatic lipase; plus strand). Cytogenetic location: 10q25.3.
Variant type: single nucleotide variant.
Coding change: c.817C>T on transcript NM_000936.4 (MANE Select); coding-DNA position 817, C replaced by T.
Protein change: p.Arg273Ter; replaces arginine 273 with a stop codon.
Molecular consequence: nonsense.
Genome position (GRCh38, 1-based): chr10:116,556,005, C>T. VCF-style: chr10-116556005-C-T. GRCh37 (hg19) VCF-style: chr10-118315517-C-T.
Other names: short protein forms R273*.
Identifiers: ClinVar variation 2086911 (VCV002086911.4), dbSNP rs777793881, ClinGen allele CA5706613.

ClinVar aggregate classification (germline): Pathogenic (1 of 4 stars; one submission).

Allele frequency attached by ClinVar (database versions not stated): gnomAD exomes 0.00001; TOPMed 0.00001; ExAC 0.00003.
gnomAD v4.1: 16 of 1,600,820 alleles (0.001%); highest among the groups gnomAD compares: South Asian, 0.0033%; no homozygotes.

Submission:

Labcorp Genetics (formerly Invitae), Labcorp
Classification: Pathogenic. Last evaluated: 2024-04-25. Review status: criteria provided, single submitter. Criteria: Invitae Variant Classification Sherloc (09022015). Collection method: clinical testing. Allele origin: germline.
Comment: This sequence change creates a premature translational stop signal (p.Arg273*) in the PNLIP gene. It is expected to result in an absent or disrupted protein product. Loss-of-function variants in PNLIP are known to be pathogenic (PMID: 31977950, 35284057). This variant is present in population databases (rs777793881, gnomAD 0.005%). This variant has not been reported in the literature in individuals affected with PNLIP-related conditions. ClinVar contains an entry for this variant (Variation ID: 2086911). For these reasons, this variant has been classified as Pathogenic.

Literature cited by the submitters: PubMed 31977950; PubMed 35284057.